The following is an entry in ClinVar:

ClinVar aggregate classification (germline): Pathogenic (1 of 4 stars; one submission).

Conditions:
Stankiewicz-Isidor syndrome (STISS). Identifiers: MedGen C4479599, MONDO:0054591, OMIM 617516.

Submission:

Victorian Clinical Genetics Services, Murdoch Childrens Research Institute
Classification: Pathogenic for Stankiewicz-Isidor syndrome. Last evaluated: 2025-07-17. Review status: criteria provided, single submitter. Criteria: ACMG Guidelines, 2015. Collection method: clinical testing. Allele origin: germline. Affected: yes.
Comment: This variant is classified as Pathogenic. Evidence in support of pathogenic classification: Variant is predicted to cause nonsense-mediated decay (NMD) and loss of protein (premature termination codon is located at least 54 nucleotides upstream of the final exon-exon junction); Variant is absent from gnomAD (v2, v3 and v4); Other NMD-predicted variant(s) comparable to the one identified in this case have very strong previous evidence for pathogenicity (DECIPHER); Additional information: This variant is heterozygous; This gene is associated with autosomal dominant disease; Loss of function is a known mechanism of disease in this gene and is associated with Stankiewicz-Isidor syndrome (MIM#617516); Variants in this gene are known to have variable expressivity (OMIM).

NM_002816.5(PSMD12):c.937del (p.Glu313fs)

Gene: PSMD12 (proteasome 26S subunit, non-ATPase 12; minus strand). Cytogenetic location: 17q24.2.
Variant type: Deletion.
Coding change: c.937del on transcript NM_002816.5 (MANE Select); coding-DNA position 937, one base deleted (G; older notation c.937delG).
Protein change: p.Glu313fs; shifts the reading frame from glutamic acid 313.
Molecular consequence: frameshift variant.
Genome position (GRCh38, 1-based): chr17:67,344,752, C deleted on the plus strand (G on the coding strand, the reverse complement: PSMD12 is on the minus strand); the first of 2 consecutive C bases (chr17:67,344,752-67,344,753); deleting either gives the same sequence. VCF-style (leftmost placement, unchanged base first): chr17-67344751-TC-T. GRCh37 (hg19) VCF-style: chr17-65340867-TC-T.
Other names: c.760del, p.Glu254fs (NM_001316341.2); c.877del, p.Glu293fs (NM_174871.4); short protein forms E254fs, E293fs, E313fs.
Identifiers: ClinVar variation 4531675 (VCV004531675.1).